The following is an entry in ClinVar:

NM_005559.4(LAMA1):c.4676del (p.Glu1559fs)

Gene: LAMA1 (laminin subunit alpha 1; minus strand). Cytogenetic location: 18p11.31.
Variant type: Deletion.
Coding change: c.4676del on transcript NM_005559.4 (MANE Select); coding-DNA position 4676, one base deleted (A; older notation c.4676delA).
Protein change: p.Glu1559fs; shifts the reading frame from glutamic acid 1559.
Molecular consequence: frameshift variant.
Genome position (GRCh38, 1-based): chr18:6,997,872, T deleted on the plus strand (A on the coding strand, the reverse complement: LAMA1 is on the minus strand). VCF-style (leftmost placement, unchanged base first): chr18-6997871-CT-C. GRCh37 (hg19) VCF-style: chr18-6997870-CT-C.
Other names: short protein forms E1559fs.
Identifiers: ClinVar variation 871815 (VCV000871815.43), dbSNP rs2057789980, ClinGen allele CA1139665955.

ClinVar aggregate classification (germline): Pathogenic. Review status: criteria provided, multiple submitters, no conflicts (2 of 4 stars). 2 submissions from 2 submitters: Pathogenic (2). Last evaluated 2022-07-12.

Conditions:
Ataxia - intellectual disability - oculomotor apraxia - cerebellar cysts syndrome. Also called: Poretti-Boltshauser syndrome. Identifiers: Orphanet 370022, MedGen C4014821, MONDO:0014419, OMIM 615960.

Allele frequency attached by ClinVar (database versions not stated): TOPMed below 0.00001.

Submissions (2):

MGZ Medical Genetics Center
Classification: Pathogenic for Ataxia - intellectual disability - oculomotor apraxia - cerebellar cysts syndrome. Last evaluated: 2022-07-12. Review status: criteria provided, single submitter. Criteria: ACMG Guidelines, 2015. Collection method: clinical testing. Allele origin: germline. Affected: yes. Observed: 2 variant alleles.
Comment: ACMG criteria applied: PVS1, PS4_SUP, PM2_SUP, PM3_SUP

CeGaT Center for Human Genetics Tuebingen
Classification: Pathogenic. Last evaluated: 2018-09-01. Review status: criteria provided, single submitter. Criteria: CeGaT Center For Human Genetics Tuebingen Variant Classification Criteria Version 2. Collection method: clinical testing. Allele origin: germline. Affected: yes. Observed: 1 variant allele.